The following is an entry in ClinVar:

NM_000416.3(IFNGR1):c.443C>G (p.Pro148Arg)

Gene: IFNGR1 (interferon gamma receptor 1; minus strand). Cytogenetic location: 6q23.3.
Variant type: single nucleotide variant.
Coding change: c.443C>G on transcript NM_000416.3 (MANE Select); coding-DNA position 443, C replaced by G.
Protein change: p.Pro148Arg; replaces proline 148 with arginine.
Molecular consequence: missense variant.
Genome position (GRCh38, 1-based): chr6:137,204,435, G>C on the plus strand (C>G on the coding strand, the complement: IFNGR1 is on the minus strand). VCF-style: chr6-137204435-G-C. GRCh37 (hg19) VCF-style: chr6-137525572-G-C.
Other names: c.413C>G, p.Pro138Arg (NM_001363526.1); c.320C>G, p.Pro107Arg (NM_001363527.1); short protein forms P148R, P107R, P138R.
Identifiers: ClinVar variation 968201 (VCV000968201.11), dbSNP rs201526779, ClinGen allele CA4018971.
Genomic context (GRCh38, chr6:137,204,435, plus strand): 5'-TAACAGGTAGTTTCGGGATCATAATCGACTTCCTGCTCGTCTCCATTTACAAAAACTGAA[G>C]GGTGAAATATGTCAATCATGATTTGCTTCTCCTCCTTTCTGATATCCAGTTTAGGTGGTC-3'
Protein context (NP_000407.1, residues 138-158): EKQIMIDIFH[Pro148Arg]SVFVNGDEQE

ClinVar aggregate classification (germline): Uncertain significance (1 of 4 stars; one submission).

Conditions:
Disseminated atypical mycobacterial infection. Identifiers: MedGen C0694566.

Allele frequency attached by ClinVar (database versions not stated): gnomAD exomes 0.00001 and 0.00012; gnomAD 0.00002 and 0.00003; TOPMed 0.00006; ExAC 0.00011; 1000 Genomes Project 30x 0.00016; 1000 Genomes Project 0.00020.
gnomAD v4.1: 25 of 1,613,822 alleles (0.0015%); highest among the groups gnomAD compares: East Asian, 0.056%; no homozygotes.

Submission:

Labcorp Genetics (formerly Invitae), Labcorp
Classification: Uncertain significance for Disseminated atypical mycobacterial infection. Last evaluated: 2025-01-02. Review status: criteria provided, single submitter. Criteria: Invitae Variant Classification Sherloc (09022015). Collection method: clinical testing. Allele origin: germline.
Comment: This sequence change replaces proline, which is neutral and non-polar, with arginine, which is basic and polar, at codon 148 of the IFNGR1 protein (p.Pro148Arg). This variant is present in population databases (rs201526779, gnomAD 0.1%). This variant has not been reported in the literature in individuals affected with IFNGR1-related conditions. ClinVar contains an entry for this variant (Variation ID: 968201). Invitae Evidence Modeling of protein sequence and biophysical properties (such as structural, functional, and spatial information, amino acid conservation, physicochemical variation, residue mobility, and thermodynamic stability) indicates that this missense variant is expected to disrupt IFNGR1 protein function with a positive predictive value of 80%. In summary, the available evidence is currently insufficient to determine the role of this variant in disease. Therefore, it has been classified as a Variant of Uncertain Significance.